The following is an entry in ClinVar:

ClinVar aggregate classification (germline): Likely pathogenic (1 of 4 stars; one submission).

Allele frequency attached by ClinVar (database versions not stated): gnomAD exomes below 0.00001.
gnomAD v4.1: 1 of 1,591,086 alleles (0.000063%); highest among the groups gnomAD compares: Non-Finnish European, 0.000085%; no homozygotes.

Submission:

GeneDx
Classification: Likely pathogenic. Last evaluated: 2024-11-14. Review status: criteria provided, single submitter. Criteria: GeneDx Variant Classification Process June 2021. Collection method: clinical testing. Allele origin: germline. Affected: yes.
Comment: Canonical splice site variant predicted to result in an in-frame loss of the adjacent exon in a gene for which loss of function is a known mechanism of disease; Has not been previously published as pathogenic or benign to our knowledge; Not observed at significant frequency in large population cohorts (gnomAD)

NM_052867.4(NALCN):c.2889+1G>A

Gene: NALCN (sodium leak channel, non-selective; minus strand). Cytogenetic location: 13q33.1.
Variant type: single nucleotide variant.
Coding change: c.2889+1G>A on transcript NM_052867.4 (MANE Select); the canonical splice donor site of the intron after coding-DNA position 2889, G replaced by A.
Molecular consequence: splice donor variant.
Genome position (GRCh38, 1-based): chr13:101,104,294, C>T on the plus strand (G>A on the coding strand, the complement: NALCN is on the minus strand). VCF-style: chr13-101104294-C-T. GRCh37 (hg19) VCF-style: chr13-101756645-C-T.
Other names: c.2802+1G>A (NM_001350751.2, NM_001350750.2); c.2889+1G>A (NM_001350749.2); c.2976+1G>A (NM_001350748.2).
Identifiers: ClinVar variation 1707291 (VCV001707291.3), dbSNP rs769909787, ClinGen allele CA388669482.